The following is an entry in ClinVar:

ClinVar aggregate classification (germline): Uncertain significance. Review status: criteria provided, multiple submitters, no conflicts (2 of 4 stars). 3 submissions from 2 submitters: Uncertain significance (3). Last evaluated 2024-01-26.

Conditions:
Ehlers-Danlos syndrome, classic type, 1 (EDSCL1). Also called: EDS I; Ehlers-Danlos syndrome, type 1; EHLERS-DANLOS SYNDROME, GRAVIS TYPE; EHLERS-DANLOS SYNDROME, SEVERE CLASSIC TYPE; Ehlers-Danlos Syndrome, Classic Type, COL5A1-Related. Identifiers: MedGen C0268335, MONDO:0019567, OMIM 130000.
Ehlers-Danlos syndrome, classic type, 2 (EDSCL2). Also called: Ehlers-Danlos syndrome, type 2; Ehlers-Danlos syndrome type 2 (formerly); Ehlers-Danlos Syndrome, Classic Type, COL5A2-Related. Identifiers: Orphanet 287, Orphanet 90318, MedGen C0268336, MONDO:0019568, OMIM 130010.

Allele frequency attached by ClinVar (database versions not stated): gnomAD exomes below 0.00001.
gnomAD v4.1: 3 of 1,614,176 alleles (0.00019%); highest among the groups gnomAD compares: Non-Finnish European, 0.00025%; no homozygotes.

Submissions (3):

Labcorp Genetics (formerly Invitae), Labcorp
Classification: Uncertain significance for Ehlers-Danlos syndrome, classic type, 1. Last evaluated: 2024-01-26. Review status: criteria provided, single submitter. Criteria: Invitae Variant Classification Sherloc (09022015). Collection method: clinical testing. Allele origin: germline.
Comment: This sequence change replaces isoleucine, which is neutral and non-polar, with valine, which is neutral and non-polar, at codon 605 of the COL5A2 protein (p.Ile605Val). This variant is not present in population databases (gnomAD no frequency). This variant has not been reported in the literature in individuals affected with COL5A2-related conditions. ClinVar contains an entry for this variant (Variation ID: 1675162). Advanced modeling of protein sequence and biophysical properties (such as structural, functional, and spatial information, amino acid conservation, physicochemical variation, residue mobility, and thermodynamic stability) performed at Invitae indicates that this missense variant is not expected to disrupt COL5A2 protein function with a negative predictive value of 80%. In summary, the available evidence is currently insufficient to determine the role of this variant in disease. Therefore, it has been classified as a Variant of Uncertain Significance.

Center for Genomics, Ann and Robert H. Lurie Children's Hospital of Chicago
Classification: Uncertain significance for Ehlers-Danlos syndrome, classic type, 1. Last evaluated: 2021-04-28. Review status: criteria provided, single submitter. Criteria: ACMG Guidelines, 2015. Collection method: clinical testing. Allele origin: germline.
Comment: COL5A2 NM_000393.4 exon 27 p.Ile605Val (c.1813A>G): This variant has not been reported in the literature and is not present in large control databases. Evolutionary conservation and computational predictive tools for this variant are unclear. In summary, data on this variant is insufficient for disease classification. Therefore, the clinical significance of this variant is uncertain.

Center for Genomics, Ann and Robert H. Lurie Children's Hospital of Chicago
Classification: Uncertain significance for Ehlers-Danlos syndrome, classic type, 2. Last evaluated: 2021-03-30. Review status: criteria provided, single submitter. Criteria: ACMG Guidelines, 2015. Collection method: clinical testing. Allele origin: germline.
Comment: the same text as in the submission from Center for Genomics, Ann and Robert H. Lurie Children's Hospital of Chicago above.

NM_000393.5(COL5A2):c.1813A>G (p.Ile605Val)

Gene: COL5A2 (collagen type V alpha 2 chain; minus strand). Cytogenetic location: 2q32.2.
Variant type: single nucleotide variant.
Coding change: c.1813A>G on transcript NM_000393.5 (MANE Select); coding-DNA position 1813, A replaced by G.
Protein change: p.Ile605Val; replaces isoleucine 605 with valine.
Molecular consequence: missense variant.
Genome position (GRCh38, 1-based): chr2:189,063,228, T>C on the plus strand (A>G on the coding strand, the complement: COL5A2 is on the minus strand). VCF-style: chr2-189063228-T-C. GRCh37 (hg19) VCF-style: chr2-189927954-T-C.
Other names: short protein forms I605V.
Identifiers: ClinVar variation 1675162 (VCV001675162.5), dbSNP rs2105590952, ClinGen allele CA349880006.